The following is an entry in ClinVar:

ClinVar aggregate classification (germline): Pathogenic/Likely pathogenic. Review status: criteria provided, multiple submitters, no conflicts (2 of 4 stars). 2 submissions from 2 submitters: Pathogenic (1); Likely pathogenic (1). Last evaluated 2023-03-23.

Conditions:
Ritscher-Schinzel syndrome. Also called: CRANIOCEREBELLOCARDIAC DYSPLASIA. Identifiers: Orphanet 7, MedGen C0796137, MONDO:0019078.
Hereditary spastic paraplegia 8 (SPG8). Also called: SPASTIC PARAPLEGIA 8, AUTOSOMAL DOMINANT. Identifiers: Orphanet 100989, MedGen C1863704, MONDO:0011339, OMIM 603563.

Submissions (2):

Labcorp Genetics (formerly Invitae), Labcorp
Classification: Likely pathogenic for Ritscher-Schinzel syndrome; Hereditary spastic paraplegia 8. Last evaluated: 2023-03-23. Review status: criteria provided, single submitter. Criteria: Invitae Variant Classification Sherloc (09022015). Collection method: clinical testing. Allele origin: germline.
Comment: This missense change has been observed in individuals with clinical features of hereditary spastic paraplegia (Invitae). In summary, the currently available evidence indicates that the variant is pathogenic, but additional data are needed to prove that conclusively. Therefore, this variant has been classified as Likely Pathogenic. This variant disrupts the p.Gly696 amino acid residue in WASHC5. Other variant(s) that disrupt this residue have been observed in individuals with WASHC5-related conditions (PMID: 23455931; Invitae), which suggests that this may be a clinically significant amino acid residue. Advanced modeling of protein sequence and biophysical properties (such as structural, functional, and spatial information, amino acid conservation, physicochemical variation, residue mobility, and thermodynamic stability) performed at Invitae indicates that this missense variant is expected to disrupt WASHC5 protein function. ClinVar contains an entry for this variant (Variation ID: 578334). This variant is not present in population databases (gnomAD no frequency). This sequence change replaces glycine, which is neutral and non-polar, with aspartic acid, which is acidic and polar, at codon 696 of the WASHC5 protein (p.Gly696Asp).

Paris Brain Institute, Inserm - ICM
Classification: Pathogenic for Hereditary spastic paraplegia 8. Review status: criteria provided, single submitter. Criteria: ACMG Guidelines, 2015. Collection method: clinical testing. Allele origin: unknown. Affected: yes. Observed: 1 variant allele.

Literature cited by the submitters: PubMed 23455931 (cited by Labcorp Genetics (formerly Invitae), Labcorp).

NM_014846.4(WASHC5):c.2087G>A (p.Gly696Asp)

Gene: WASHC5 (WASH complex subunit 5; minus strand). Cytogenetic location: 8q24.13.
Variant type: single nucleotide variant.
Coding change: c.2087G>A on transcript NM_014846.4 (MANE Select); coding-DNA position 2087, G replaced by A.
Protein change: p.Gly696Asp; replaces glycine 696 with aspartic acid.
Molecular consequence: missense variant.
Genome position (GRCh38, 1-based): chr8:125,055,601, C>T on the plus strand (G>A on the coding strand, the complement: WASHC5 is on the minus strand). VCF-style: chr8-125055601-C-T. GRCh37 (hg19) VCF-style: chr8-126067843-C-T.
Other names: c.1643G>A, p.Gly548Asp (NM_001330609.2); short protein forms G696D, G548D.
Identifiers: ClinVar variation 578334 (VCV000578334.12), dbSNP rs397515564, ClinGen allele CA372190112.
Genomic context (GRCh38, chr8:125,055,601, plus strand): 5'-AACAGCTAAGAGTCATGGTGCGAGGCCACGCAGACTAACAAAACTGTTACCTTGATGATG[C>T]CAACCAAAGTCGTTTTCATCATTAAGATGCCTTCAGTAAAAATGGAAATAGCATGAGTAA-3'
Protein context (NP_055661.3, residues 686-706): GILMMKTTLV[Gly696Asp]IIKVDPKQLL